The following is an entry in ClinVar:

NM_018993.4(RIN2):c.1099T>C (p.Phe367Leu)

Gene: RIN2 (Ras and Rab interactor 2; plus strand). Cytogenetic location: 20p11.23.
Variant type: single nucleotide variant.
Coding change: c.1099T>C on transcript NM_018993.4 (MANE Select); coding-DNA position 1099, T replaced by C.
Protein change: p.Phe367Leu; replaces phenylalanine 367 with leucine.
Molecular consequence: missense variant.
Genome position (GRCh38, 1-based): chr20:19,975,124, T>C. VCF-style: chr20-19975124-T-C. GRCh37 (hg19) VCF-style: chr20-19955768-T-C.
Other names: c.1246T>C, p.Phe416Leu (NM_001242581.2); c.481T>C, p.Phe161Leu (NM_001378238.1); short protein forms F416L, F367L, F161L.
Identifiers: ClinVar variation 1367877 (VCV001367877.6), dbSNP rs372731706, ClinGen allele CA9780012.
Genomic context (GRCh38, chr20:19,975,124, plus strand): 5'-GCTCTGCCTGGAACGAAACCAACTCCCATCCCTCCACCCCGGCTGAAGAAGCAGGCTTCT[T>C]TTCTGGAAGCAGAGGGCGGTGCAAAGACCTTGAGCGGCGGCCGGCCGGGCGCAGGCCCGG-3'
Protein context (NP_061866.1, residues 357-377): PPPRLKKQAS[Phe367Leu]LEAEGGAKTL

ClinVar aggregate classification (germline): Uncertain significance (1 of 4 stars; one submission).

Allele frequency attached by ClinVar (database versions not stated): ESP Exome Variant Server 0.00008; ExAC 0.00003; TOPMed 0.00003; gnomAD 0.00003.
gnomAD v4.1: 14 of 1,613,252 alleles (0.00087%); highest among the groups gnomAD compares: Admixed American, 0.0083%; no homozygotes.

Submission:

Labcorp Genetics (formerly Invitae), Labcorp
Classification: Uncertain significance. Last evaluated: 2024-01-04. Review status: criteria provided, single submitter. Criteria: Invitae Variant Classification Sherloc (09022015). Collection method: clinical testing. Allele origin: germline.
Comment: This sequence change replaces phenylalanine, which is neutral and non-polar, with leucine, which is neutral and non-polar, at codon 367 of the RIN2 protein (p.Phe367Leu). This variant is present in population databases (rs372731706, gnomAD 0.007%). This variant has not been reported in the literature in individuals affected with RIN2-related conditions. ClinVar contains an entry for this variant (Variation ID: 1367877). Experimental studies and prediction algorithms are not available or were not evaluated, and the functional significance of this variant is currently unknown. In summary, the available evidence is currently insufficient to determine the role of this variant in disease. Therefore, it has been classified as a Variant of Uncertain Significance.